The following is an entry in ClinVar:

NM_006517.4(SLC16A2):c.-544T>A

Gene: SLC16A2 (solute carrier family 16 member 2; plus strand). Cytogenetic location: Xq13.2.
Variant type: single nucleotide variant.
Coding change: c.-544T>A on transcript NM_006517.4; 544 bases upstream of the start codon, T replaced by A.
Genome position (GRCh38, 1-based): chrX:74,421,094, T>A. VCF-style: chrX-74421094-T-A. GRCh37 (hg19) VCF-style: chrX-73640929-T-A.
Identifiers: ClinVar variation 667466 (VCV000667466.4), dbSNP rs5981271, ClinGen allele CA16006985.

ClinVar aggregate classification (germline): Benign. Review status: criteria provided, multiple submitters, no conflicts (2 of 4 stars). 2 submissions from 2 submitters: Benign (2). Last evaluated 2018-06-16.

Allele frequency attached by ClinVar (database versions not stated): 1000 Genomes Project 30x 0.50926; gnomAD 0.38575 and 0.39097; TOPMed 0.38770; 1000 Genomes Project 0.52662.

Submissions (2):

GeneDx
Classification: Benign. Last evaluated: 2018-06-16. Review status: criteria provided, single submitter. Criteria: GeneDx Variant Classification (06012015). Collection method: clinical testing. Allele origin: germline. Affected: yes.
Comment: This variant is considered likely benign or benign based on one or more of the following criteria: it is a conservative change, it occurs at a poorly conserved position in the protein, it is predicted to be benign by multiple in silico algorithms, and/or has population frequency not consistent with disease.

Breakthrough Genomics
Classification: Benign. Review status: criteria provided, single submitter. Criteria: ACMG Guidelines, 2015. Collection method: not provided. Allele origin: germline. Inheritance: X-linked inheritance. Affected: yes.